The following is an entry in ClinVar:

NM_032444.4(SLX4):c.3658G>A (p.Gly1220Arg)

Gene: SLX4 (SLX4 structure-specific endonuclease subunit; minus strand). Cytogenetic location: 16p13.3.
Variant type: single nucleotide variant.
Coding change: c.3658G>A on transcript NM_032444.4 (MANE Select); coding-DNA position 3658, G replaced by A.
Protein change: p.Gly1220Arg; replaces glycine 1220 with arginine.
Molecular consequence: missense variant.
Genome position (GRCh38, 1-based): chr16:3,589,980, C>T on the plus strand (G>A on the coding strand, the complement: SLX4 is on the minus strand). VCF-style: chr16-3589980-C-T. GRCh37 (hg19) VCF-style: chr16-3639981-C-T.
Other names: short protein forms G1220R.
Identifiers: ClinVar variation 940742 (VCV000940742.9), dbSNP rs1160985971, ClinGen allele CA394519661.

ClinVar aggregate classification (germline): Uncertain significance (1 of 4 stars; one submission).

Conditions:
Fanconi anemia (FA). Also called: Fanconi's anemia. Identifiers: Orphanet 84, MedGen C0015625, MeSH D005199, MONDO:0019391.

Submission:

Labcorp Genetics (formerly Invitae), Labcorp
Classification: Uncertain significance for Fanconi anemia. Last evaluated: 2025-08-06. Review status: criteria provided, single submitter. Criteria: Invitae Variant Classification Sherloc (09022015). Collection method: clinical testing. Allele origin: germline.
Comment: This sequence change replaces glycine, which is neutral and non-polar, with arginine, which is basic and polar, at codon 1220 of the SLX4 protein (p.Gly1220Arg). This variant is not present in population databases (gnomAD no frequency). This variant has not been reported in the literature in individuals affected with SLX4-related conditions. ClinVar contains an entry for this variant (Variation ID: 940742). An algorithm developed to predict the effect of missense changes on protein structure and function (PolyPhen-2) suggests that this variant is likely to be tolerated. In summary, the available evidence is currently insufficient to determine the role of this variant in disease. Therefore, it has been classified as a Variant of Uncertain Significance.